The following is an entry in ClinVar:

ClinVar aggregate classification (germline): Uncertain significance (1 of 4 stars; one submission).

gnomAD v4.1: 2 of 1,613,922 alleles (0.00012%); highest among the groups gnomAD compares: Non-Finnish European, 0.00017%; no homozygotes.

Submission:

Labcorp Genetics (formerly Invitae), Labcorp
Classification: Uncertain significance. Last evaluated: 2025-10-06. Review status: criteria provided, single submitter. Criteria: Invitae Variant Classification Sherloc (09022015). Collection method: clinical testing. Allele origin: germline.
Comment: This sequence change replaces proline, which is neutral and non-polar, with leucine, which is neutral and non-polar, at codon 1261 of the SETD5 protein (p.Pro1261Leu). This variant is not present in population databases (gnomAD no frequency). This variant has not been reported in the literature in individuals affected with SETD5-related conditions. ClinVar contains an entry for this variant (Variation ID: 1963519). Invitae Evidence Modeling of protein sequence and biophysical properties (such as structural, functional, and spatial information, amino acid conservation, physicochemical variation, residue mobility, and thermodynamic stability) has been performed for this missense variant. However, the output from this modeling did not meet the statistical confidence thresholds required to predict the impact of this variant on SETD5 protein function. In summary, the available evidence is currently insufficient to determine the role of this variant in disease. Therefore, it has been classified as a Variant of Uncertain Significance.

NM_001080517.3(SETD5):c.3782C>T (p.Pro1261Leu)

Gene: SETD5 (SET domain containing 5; plus strand). Cytogenetic location: 3p25.3.
Variant type: single nucleotide variant.
Coding change: c.3782C>T on transcript NM_001080517.3 (MANE Select); coding-DNA position 3782, C replaced by T.
Protein change: p.Pro1261Leu; replaces proline 1261 with leucine.
Molecular consequence: missense variant.
Genome position (GRCh38, 1-based): chr3:9,475,544, C>T. VCF-style: chr3-9475544-C-T. GRCh37 (hg19) VCF-style: chr3-9517228-C-T.
Other names: c.3488C>T, p.Pro1163Leu (NM_001292043.2, NM_001349451.2); short protein forms P1261L, P1163L.
Identifiers: ClinVar variation 1963519 (VCV001963519.5), dbSNP rs759034457, ClinGen allele CA351690962.